The following is an entry in ClinVar:

NM_023110.3(FGFR1):c.2191A>G (p.Met731Val)

Gene: FGFR1 (fibroblast growth factor receptor 1; minus strand). Cytogenetic location: 8p11.23.
Variant type: single nucleotide variant.
Coding change: c.2191A>G on transcript NM_023110.3 (MANE Select); coding-DNA position 2191, A replaced by G.
Protein change: p.Met731Val; replaces methionine 731 with valine.
Molecular consequence: missense variant.
Genome position (GRCh38, 1-based): chr8:38,414,019, T>C on the plus strand (A>G on the coding strand, the complement: FGFR1 is on the minus strand). VCF-style: chr8-38414019-T-C. GRCh37 (hg19) VCF-style: chr8-38271537-T-C.
Other names: c.2185A>G, p.Met729Val (NM_001174063.2, NM_001174065.2, NM_001354367.2 and 1 more transcripts); c.2161A>G, p.Met721Val (NM_001174064.2); c.1924A>G, p.Met642Val (NM_001174066.2, NM_023105.3); c.2284A>G, p.Met762Val (NM_001174067.2); c.1912A>G, p.Met638Val (NM_001354368.2); c.2179A>G, p.Met727Val (NM_001354369.2, NM_001410922.1); c.1918A>G, p.Met640Val (NM_001354370.2, NM_023106.3); short protein forms M638V, M640V, M642V, M721V, M727V, M729V, M731V, M762V.
Identifiers: ClinVar variation 3762063 (VCV003762063.2).
Genomic context (GRCh38, chr8:38,414,019, plus strand): 5'-CCAGCTGCTTGAAGGTGGGTCTCTGTGAGGGCACTGCATGCCAGCAGTCCCGCATCATCA[T>C]GTACCTGCGGCAGGACTGTAAGGTCAGGGACGTCTCCTGGAGATGGATACTCTCTAGTCT-3'
Protein context (NP_075598.2, residues 721-741): KPSNCTNELY[Met731Val]MMRDCWHAVP

ClinVar aggregate classification (germline): Uncertain significance (1 of 4 stars; one submission).

Conditions:
Pfeiffer syndrome (ACS5). Also called: ACS V. Identifiers: Orphanet 710, MedGen C0220658, MONDO:0007043, OMIM 101600.
Hypogonadotropic hypogonadism 2 with or without anosmia (HH2). Also called: HYPOGONADOTROPIC HYPOGONADISM 2 WITHOUT ANOSMIA; FGFR1-Related GnRH Deficiency (Kallmann Syndrome 2); HYPOGONADOTROPIC HYPOGONADISM 2 WITH OR WITHOUT ANOSMIA, SUSCEPTIBILITY TO; HYPOGONADOTROPIC HYPOGONADISM 2 WITHOUT ANOSMIA, SUSCEPTIBILITY TO. Identifiers: Orphanet 478, MedGen C1563720, MONDO:0007844, OMIM 147950. Disease mechanism: loss of function.

gnomAD v4.1: 17 of 1,614,056 alleles (0.0011%); highest among the groups gnomAD compares: East Asian, 0.0022%; no homozygotes.

Submission:

Labcorp Genetics (formerly Invitae), Labcorp
Classification: Uncertain significance for Pfeiffer syndrome; Hypogonadotropic hypogonadism 2 with or without anosmia. Last evaluated: 2024-02-27. Review status: criteria provided, single submitter. Criteria: Invitae Variant Classification Sherloc (09022015). Collection method: clinical testing. Allele origin: germline.
Comment: This sequence change replaces methionine, which is neutral and non-polar, with valine, which is neutral and non-polar, at codon 731 of the FGFR1 protein (p.Met731Val). This variant is present in population databases (rs560927853, gnomAD 0.0009%). This variant has not been reported in the literature in individuals affected with FGFR1-related conditions. Advanced modeling of protein sequence and biophysical properties (such as structural, functional, and spatial information, amino acid conservation, physicochemical variation, residue mobility, and thermodynamic stability) performed at Invitae indicates that this missense variant is not expected to disrupt FGFR1 protein function with a negative predictive value of 80%. In summary, the available evidence is currently insufficient to determine the role of this variant in disease. Therefore, it has been classified as a Variant of Uncertain Significance.